The following is an entry in ClinVar:

ClinVar aggregate classification (germline): Uncertain significance (1 of 4 stars; one submission).

Conditions:
Cardiovascular phenotype. Identifiers: MedGen CN230736.

gnomAD v4.1: 5 of 1,613,982 alleles (0.00031%); highest among the groups gnomAD compares: Non-Finnish European, 0.00042%; no homozygotes.

Submission:

Ambry Genetics
Classification: Uncertain significance for Cardiovascular phenotype. Last evaluated: 2024-09-24. Review status: criteria provided, single submitter. Criteria: Ambry Variant Classification Scheme 2023. Collection method: clinical testing. Allele origin: germline.
Comment: The p.G6E variant (also known as c.17G>A), located in coding exon 1 of the KCNE3 gene, results from a G to A substitution at nucleotide position 17. The glycine at codon 6 is replaced by glutamic acid, an amino acid with similar properties. This amino acid position is conserved. In addition, the in silico prediction for this alteration is inconclusive. Based on the available evidence, the clinical significance of this variant remains unclear.

NM_005472.5(KCNE3):c.17G>A (p.Gly6Glu)

Gene: KCNE3 (potassium voltage-gated channel subfamily E regulatory subunit 3; minus strand). Cytogenetic location: 11q13.4.
Variant type: single nucleotide variant.
Coding change: c.17G>A on transcript NM_005472.5 (MANE Select); coding-DNA position 17, G replaced by A.
Protein change: p.Gly6Glu; replaces glycine 6 with glutamic acid.
Molecular consequence: missense variant.
Genome position (GRCh38, 1-based): chr11:74,457,547, C>T on the plus strand (G>A on the coding strand, the complement: KCNE3 is on the minus strand). VCF-style: chr11-74457547-C-T. GRCh37 (hg19) VCF-style: chr11-74168592-C-T.
Other names: short protein forms G6E.
Identifiers: ClinVar variation 3532254 (VCV003532254.1).